The following is an entry in ClinVar:

ClinVar aggregate classification (germline): Uncertain significance (1 of 4 stars; one submission).

Conditions:
Congenital adrenal hypoplasia, X-linked (AHC). Also called: Isolated X-Linked Adrenal Hypoplasia Congenita; X-linked AHC; X-Linked Adrenal Hypoplasia Congenita; ADRENAL HYPOPLASIA, CONGENITAL, WITH HYPOGONADOTROPIC HYPOGONADISM. Identifiers: Orphanet 95702, MedGen C0342482, MONDO:0010264, OMIM 300200. Disease mechanism: loss of function.
46,XY sex reversal 2. Also called: NR0B1-Related 46,XY CGD; NR0B1-related 46,XY complete gonadal dysgenesis; Dosage-sensitive sex reversal; 46,XY SEX REVERSAL, DAX1-RELATED; 46XY sex reversal 2, dosage-sensitive. Identifiers: MedGen C1848296, MONDO:0010226, OMIM 300018.

Submission:

Labcorp Genetics (formerly Invitae), Labcorp
Classification: Uncertain significance for Congenital adrenal hypoplasia, X-linked; 46,XY sex reversal 2. Last evaluated: 2025-10-11. Review status: criteria provided, single submitter. Criteria: Invitae Variant Classification Sherloc (09022015). Collection method: clinical testing. Allele origin: germline.
Comment: This sequence change replaces threonine, which is neutral and polar, with isoleucine, which is neutral and non-polar, at codon 238 of the NR0B1 protein (p.Thr238Ile). This variant is not present in population databases (gnomAD no frequency). This variant has not been reported in the literature in individuals affected with NR0B1-related conditions. Invitae Evidence Modeling of protein sequence and biophysical properties (such as structural, functional, and spatial information, amino acid conservation, physicochemical variation, residue mobility, and thermodynamic stability) indicates that this missense variant is not expected to disrupt NR0B1 protein function with a negative predictive value of 80%. In summary, the available evidence is currently insufficient to determine the role of this variant in disease. Therefore, it has been classified as a Variant of Uncertain Significance.

NM_000475.5(NR0B1):c.713C>T (p.Thr238Ile)

Gene: NR0B1 (nuclear receptor subfamily 0 group B member 1; minus strand). Cytogenetic location: Xp21.2.
Variant type: single nucleotide variant.
Coding change: c.713C>T on transcript NM_000475.5 (MANE Select); coding-DNA position 713, C replaced by T.
Protein change: p.Thr238Ile; replaces threonine 238 with isoleucine.
Molecular consequence: missense variant.
Genome position (GRCh38, 1-based): chrX:30,308,651, G>A on the plus strand (C>T on the coding strand, the complement: NR0B1 is on the minus strand). VCF-style: chrX-30308651-G-A. GRCh37 (hg19) VCF-style: chrX-30326768-G-A.
Other names: short protein forms T238I.
Identifiers: ClinVar variation 4793153 (VCV004793153.1).